The following is an entry in ClinVar:

ClinVar aggregate classification (germline): Uncertain significance (1 of 4 stars; one submission).

Allele frequency attached by ClinVar (database versions not stated): gnomAD exomes below 0.00001; gnomAD 0.00001; TOPMed 0.00001.

Submission:

Labcorp Genetics (formerly Invitae), Labcorp
Classification: Uncertain significance. Last evaluated: 2022-02-18. Review status: criteria provided, single submitter. Criteria: Invitae Variant Classification Sherloc (09022015). Collection method: clinical testing. Allele origin: germline.
Comment: This sequence change replaces lysine, which is basic and polar, with glutamine, which is neutral and polar, at codon 1057 of the SBF1 protein (p.Lys1057Gln). This variant is not present in population databases (gnomAD no frequency). This variant has not been reported in the literature in individuals affected with SBF1-related conditions. Algorithms developed to predict the effect of missense changes on protein structure and function are either unavailable or do not agree on the potential impact of this missense change (SIFT: "Deleterious"; PolyPhen-2: "Probably Damaging"; Align-GVGD: "Class C0"). In summary, the available evidence is currently insufficient to determine the role of this variant in disease. Therefore, it has been classified as a Variant of Uncertain Significance.

NM_002972.4(SBF1):c.3169A>C (p.Lys1057Gln)

Gene: SBF1 (SET binding factor 1; minus strand). Cytogenetic location: 22q13.33.
Variant type: single nucleotide variant.
Coding change: c.3169A>C on transcript NM_002972.4 (MANE Select); coding-DNA position 3169, A replaced by C.
Protein change: p.Lys1057Gln; replaces lysine 1057 with glutamine.
Molecular consequence: missense variant.
Genome position (GRCh38, 1-based): chr22:50,460,386, T>G on the plus strand (A>C on the coding strand, the complement: SBF1 is on the minus strand). VCF-style: chr22-50460386-T-G. GRCh37 (hg19) VCF-style: chr22-50898815-T-G.
Other names: c.3172A>C, p.Lys1058Gln (NM_001365819.1, NM_001410794.1); c.3169A>C, p.Lys1057Gln (NM_001410795.1, NM_197971.1); short protein forms K1057Q, K1058Q.
Identifiers: ClinVar variation 1946445 (VCV001946445.2), dbSNP rs1169521815, ClinGen allele CA412207130.